The following is an entry in ClinVar:

ClinVar aggregate classification (germline): Uncertain significance. Review status: criteria provided, multiple submitters, no conflicts (2 of 4 stars). 2 submissions from 2 submitters: Uncertain significance (2). Last evaluated 2025-08-20.

Conditions:
Hereditary cancer-predisposing syndrome. Also called: Tumor predisposition; Hereditary neoplastic syndrome; Hereditary Cancer Syndrome; Neoplastic Syndromes, Hereditary. Identifiers: Orphanet 140162, MedGen C0027672, MeSH D009386, MONDO:0015356.

Allele frequency attached by ClinVar (database versions not stated): gnomAD exomes below 0.00001; TOPMed below 0.00001; gnomAD 0.00001.
gnomAD v4.1: 3 of 1,612,942 alleles (0.00019%); highest among the groups gnomAD compares: East Asian, 0.0022%; no homozygotes.

Submissions (2):

Labcorp Genetics (formerly Invitae), Labcorp
Classification: Uncertain significance. Last evaluated: 2025-08-20. Review status: criteria provided, single submitter. Criteria: Invitae Variant Classification Sherloc (09022015). Collection method: clinical testing. Allele origin: germline.
Comment: This sequence change replaces threonine, which is neutral and polar, with isoleucine, which is neutral and non-polar, at codon 644 of the MSH3 protein (p.Thr644Ile). This variant is present in population databases (no rsID available, gnomAD 0.0009%). This variant has not been reported in the literature in individuals affected with MSH3-related conditions. ClinVar contains an entry for this variant (Variation ID: 1465204). An algorithm developed to predict the effect of missense changes on protein structure and function (PolyPhen-2) suggests that this variant is likely to be disruptive. In summary, the available evidence is currently insufficient to determine the role of this variant in disease. Therefore, it has been classified as a Variant of Uncertain Significance.

Ambry Genetics
Classification: Uncertain significance for Hereditary cancer-predisposing syndrome. Last evaluated: 2023-11-18. Review status: criteria provided, single submitter. Criteria: Ambry Variant Classification Scheme 2023. Collection method: clinical testing. Allele origin: germline.
Comment: The p.T644I variant (also known as c.1931C>T), located in coding exon 14 of the MSH3 gene, results from a C to T substitution at nucleotide position 1931. The threonine at codon 644 is replaced by isoleucine, an amino acid with similar properties. This amino acid position is not well conserved in available vertebrate species. In addition, the in silico prediction for this alteration is inconclusive. Since supporting evidence is limited at this time, the clinical significance of this alteration remains unclear.

NM_002439.5(MSH3):c.1931C>T (p.Thr644Ile)

Gene: MSH3 (mutS homolog 3; plus strand). Cytogenetic location: 5q14.1.
Variant type: single nucleotide variant.
Coding change: c.1931C>T on transcript NM_002439.5 (MANE Select); coding-DNA position 1931, C replaced by T.
Protein change: p.Thr644Ile; replaces threonine 644 with isoleucine.
Molecular consequence: missense variant.
Genome position (GRCh38, 1-based): chr5:80,767,967, C>T. VCF-style: chr5-80767967-C-T. GRCh37 (hg19) VCF-style: chr5-80063786-C-T.
Other names: short protein forms T644I.
Identifiers: ClinVar variation 1465204 (VCV001465204.8), dbSNP rs1367636496, ClinGen allele CA360277505.